The following is an entry in ClinVar:

ClinVar aggregate classification (germline): Pathogenic/Likely pathogenic. Review status: criteria provided, multiple submitters, no conflicts (2 of 4 stars). 2 submissions from 2 submitters: Pathogenic (1); Likely pathogenic (1). Last evaluated 2024-04-24.

Conditions:
Hermansky-Pudlak syndrome 1 (HPS1). Also called: DELTA STORAGE POOL DISEASE. Identifiers: Orphanet 231500, Orphanet 79430, MedGen C2931875, MONDO:0008748, OMIM 203300.

Submissions (2):

Myriad Genetics, Inc.
Classification: Pathogenic for Hermansky-Pudlak syndrome 1. Last evaluated: 2024-04-24. Review status: criteria provided, single submitter. Criteria: Myriad Autosomal Dominant, Autosomal Recessive and X-Linked Classification Criteria (2023). Collection method: clinical testing. Allele origin: unknown.
Comment: NM_000195.3(HPS1):c.322A>T(K108*) is expected to be pathogenic in the context of Hermansky-Pudlak syndrome, HPS1-related. This variant is predicted to lead to an abnormal or absent protein product due to the creation of a premature termination codon in HPS1, a gene where loss-of-function variants are known to be pathogenic. Please note: this variant was assessed in the context of healthy population screening.

Baylor Genetics
Classification: Likely pathogenic for Hermansky-Pudlak syndrome 1. Last evaluated: 2023-08-07. Review status: criteria provided, single submitter. Criteria: ACMG Guidelines, 2015. Collection method: clinical testing. Allele origin: unknown.

NM_000195.5(HPS1):c.322A>T (p.Lys108Ter)

Gene: HPS1 (HPS1 biogenesis of lysosomal organelles complex 3 subunit 1; minus strand). Cytogenetic location: 10q24.2.
Variant type: single nucleotide variant.
Coding change: c.322A>T on transcript NM_000195.5 (MANE Select); coding-DNA position 322, A replaced by T.
Protein change: p.Lys108Ter; replaces lysine 108 with a stop codon.
Molecular consequence: nonsense. On other transcripts: 5 prime UTR variant (2), intron variant (7).
Genome position (GRCh38, 1-based): chr10:98,435,348, T>A on the plus strand (A>T on the coding strand, the complement: HPS1 is on the minus strand). VCF-style: chr10-98435348-T-A. GRCh37 (hg19) VCF-style: chr10-100195105-T-A.
Other names: c.-595A>T (NM_001311345.2); c.322A>T, p.Lys108Ter (NM_001322476.2, NM_001322477.2, NM_001322478.2 and 5 more transcripts); c.-694A>T (NM_001322487.2); c.29+287A>T (NM_001322483.2, NM_001322485.2, NM_001322484.2); c.255+287A>T (NM_001322480.2, NM_001322482.2, NM_001322481.2); c.-519+287A>T (NM_001322489.2); short protein forms K108*.
Identifiers: ClinVar variation 2676041 (VCV002676041.2), dbSNP rs2538986887, ClinGen allele CA378054541.